The following is an entry in ClinVar:

ClinVar aggregate classification (germline): Uncertain significance. Review status: criteria provided, multiple submitters, no conflicts (2 of 4 stars). 3 submissions from 3 submitters: Uncertain significance (3). Last evaluated 2024-04-08.

Conditions:
Ehlers-Danlos syndrome, classic type, 1 (EDSCL1). Also called: EHLERS-DANLOS SYNDROME, GRAVIS TYPE; EHLERS-DANLOS SYNDROME, SEVERE CLASSIC TYPE; Ehlers-Danlos syndrome, type 1; Ehlers-Danlos Syndrome, Classic Type, COL5A1-Related; EDS I. Identifiers: MedGen C0268335, MONDO:0019567, OMIM 130000.
Ehlers-Danlos syndrome (EDS). Identifiers: Orphanet 98249, MedGen C0013720, MONDO:0020066.

Allele frequency attached by ClinVar (database versions not stated): gnomAD exomes below 0.00001; TOPMed below 0.00001; gnomAD 0.00001.
gnomAD v4.1: 2 of 1,612,572 alleles (0.00012%); highest among the groups gnomAD compares: Non-Finnish European, 0.00017%; no homozygotes.

Submissions (3):

Blueprint Genetics
Classification: Uncertain significance. Last evaluated: 2024-04-08. Review status: criteria provided, single submitter. Criteria: ACMG Guidelines, 2015. Collection method: clinical testing. Allele origin: germline.

Labcorp Genetics (formerly Invitae), Labcorp
Classification: Uncertain significance for Ehlers-Danlos syndrome, classic type, 1. Last evaluated: 2022-03-31. Review status: criteria provided, single submitter. Criteria: Invitae Variant Classification Sherloc (09022015). Collection method: clinical testing. Allele origin: germline.
Comment: In summary, the available evidence is currently insufficient to determine the role of this variant in disease. Therefore, it has been classified as a Variant of Uncertain Significance. Advanced modeling of protein sequence and biophysical properties (such as structural, functional, and spatial information, amino acid conservation, physicochemical variation, residue mobility, and thermodynamic stability) performed at Invitae indicates that this missense variant is not expected to disrupt COL5A2 protein function. This variant has not been reported in the literature in individuals affected with COL5A2-related conditions. This variant is not present in population databases (gnomAD no frequency). This sequence change replaces proline, which is neutral and non-polar, with alanine, which is neutral and non-polar, at codon 416 of the COL5A2 protein (p.Pro416Ala).

Genome Diagnostics Laboratory, The Hospital for Sick Children
Classification: Uncertain significance for Ehlers-Danlos syndrome. Last evaluated: 2019-10-01. Review status: criteria provided, single submitter. Criteria: ACMG Guidelines, 2015. Collection method: clinical testing. Allele origin: germline.

NM_000393.5(COL5A2):c.1246C>G (p.Pro416Ala)

Gene: COL5A2 (collagen type V alpha 2 chain; minus strand). Cytogenetic location: 2q32.2.
Variant type: single nucleotide variant.
Coding change: c.1246C>G on transcript NM_000393.5 (MANE Select); coding-DNA position 1246, C replaced by G.
Protein change: p.Pro416Ala; replaces proline 416 with alanine.
Molecular consequence: missense variant.
Genome position (GRCh38, 1-based): chr2:189,068,797, G>C on the plus strand (C>G on the coding strand, the complement: COL5A2 is on the minus strand). VCF-style: chr2-189068797-G-C. GRCh37 (hg19) VCF-style: chr2-189933523-G-C.
Other names: short protein forms P416A.
Identifiers: ClinVar variation 1702225 (VCV001702225.9), dbSNP rs1412825331, ClinGen allele CA349853530.